The following is an entry in ClinVar:

ClinVar aggregate classification (germline): Uncertain significance. Review status: criteria provided, multiple submitters, no conflicts (2 of 4 stars). 2 submissions from 2 submitters: Uncertain significance (2). Last evaluated 2023-10-30.

Conditions:
Inborn genetic diseases. Identifiers: MedGen C0950123, MeSH D030342.

gnomAD v4.1: 3 of 1,613,906 alleles (0.00019%); highest among the groups gnomAD compares: Admixed American, 0.005%; no homozygotes.

Submissions (2):

Labcorp Genetics (formerly Invitae), Labcorp
Classification: Uncertain significance. Last evaluated: 2023-10-30. Review status: criteria provided, single submitter. Criteria: Invitae Variant Classification Sherloc (09022015). Collection method: clinical testing. Allele origin: germline.
Comment: This sequence change replaces lysine, which is basic and polar, with glutamine, which is neutral and polar, at codon 1545 of the RP1 protein (p.Lys1545Gln). This variant is not present in population databases (gnomAD no frequency). This variant has not been reported in the literature in individuals affected with RP1-related conditions. ClinVar contains an entry for this variant (Variation ID: 1489538). An algorithm developed to predict the effect of missense changes on protein structure and function (PolyPhen-2) suggests that this variant is likely to be disruptive. In summary, the available evidence is currently insufficient to determine the role of this variant in disease. Therefore, it has been classified as a Variant of Uncertain Significance.

Ambry Genetics
Classification: Uncertain significance for Inborn genetic diseases. Last evaluated: 2022-06-10. Review status: criteria provided, single submitter. Criteria: Ambry Variant Classification Scheme 2023. Collection method: clinical testing. Allele origin: germline.

NM_006269.2(RP1):c.4633A>C (p.Lys1545Gln)

Gene: RP1 (RP1 axonemal microtubule associated; plus strand). Cytogenetic location: 8q12.1.
Variant type: single nucleotide variant.
Coding change: c.4633A>C on transcript NM_006269.2 (MANE Select); coding-DNA position 4633, A replaced by C.
Protein change: p.Lys1545Gln; replaces lysine 1545 with glutamine.
Molecular consequence: missense variant. On other transcripts: intron variant (1).
Genome position (GRCh38, 1-based): chr8:54,628,515, A>C. VCF-style: chr8-54628515-A-C. GRCh37 (hg19) VCF-style: chr8-55541075-A-C.
Other names: c.4633A>C (NM_006269.1); c.787+6227A>C (NM_001375654.1); short protein forms K1545Q.
Identifiers: ClinVar variation 1489538 (VCV001489538.9), dbSNP rs767994258, ClinGen allele CA370982838.